The following is an entry in ClinVar:

ClinVar aggregate classification (germline): Uncertain significance (1 of 4 stars; one submission).

Allele frequency attached by ClinVar (database versions not stated): gnomAD 0.00001; TOPMed 0.00002.
gnomAD v4.1: 4 of 1,606,478 alleles (0.00025%); highest among the groups gnomAD compares: Admixed American, 0.0068%; no homozygotes.

Submission:

Labcorp Genetics (formerly Invitae), Labcorp
Classification: Uncertain significance. Last evaluated: 2022-05-03. Review status: criteria provided, single submitter. Criteria: Invitae Variant Classification Sherloc (09022015). Collection method: clinical testing. Allele origin: germline.
Comment: This sequence change replaces arginine, which is basic and polar, with leucine, which is neutral and non-polar, at codon 16 of the COQ7 protein (p.Arg16Leu). The frequency data for this variant in the population databases is considered unreliable, as metrics indicate poor data quality at this position in the gnomAD database. This variant has not been reported in the literature in individuals affected with COQ7-related conditions. Algorithms developed to predict the effect of missense changes on protein structure and function (SIFT, PolyPhen-2, Align-GVGD) all suggest that this variant is likely to be tolerated. In summary, the available evidence is currently insufficient to determine the role of this variant in disease. Therefore, it has been classified as a Variant of Uncertain Significance.

NM_016138.5(COQ7):c.47G>T (p.Arg16Leu)

Genes: COQ7 (coenzyme Q7, hydroxylase; plus strand), LOC130058587 (ATAC-STARR-seq lymphoblastoid silent region 7240; plus strand). Cytogenetic location: 16p12.3.
Variant type: single nucleotide variant.
Coding change: c.47G>T on transcript NM_016138.5 (MANE Select); coding-DNA position 47, G replaced by T.
Protein change: p.Arg16Leu; replaces arginine 16 with leucine.
Molecular consequence: missense variant. On other transcripts: non-coding transcript variant (2).
Genome position (GRCh38, 1-based): chr16:19,067,711, G>T. VCF-style: chr16-19067711-G-T. GRCh37 (hg19) VCF-style: chr16-19079033-G-T.
Other names: c.47G>T, p.Arg16Leu (NM_001370490.1); short protein forms R16L.
Identifiers: ClinVar variation 1937140 (VCV001937140.3), dbSNP rs1371575608, ClinGen allele CA394917024.